The following is an entry in ClinVar:

ClinVar aggregate classification (germline): Benign (1 of 4 stars; one submission).

Conditions:
Microcytic anemia with liver iron overload. Also called: Anemia, hypochromic microcytic, with iron overload 1. Identifiers: Orphanet 83642, MedGen C3806153, MONDO:0008787, OMIM 206100.

Allele frequency attached by ClinVar (database versions not stated): gnomAD exomes 0.00063 and 0.00143; ExAC 0.00069; 1000 Genomes Project 0.00599; 1000 Genomes Project 30x 0.00609; gnomAD 0.00711 and 0.00753; TOPMed 0.00793.

Submission:

Illumina Laboratory Services, Illumina
Classification: Benign for Microcytic anemia with liver iron overload. Last evaluated: 2018-01-13. Review status: criteria provided, single submitter. Criteria: ICSL Variant Classification Criteria 13 December 2019. Collection method: clinical testing. Allele origin: germline.
Comment: This variant was observed in the ICSL laboratory as part of a predisposition screen in an ostensibly healthy population. It had not been previously curated by ICSL or reported in the Human Gene Mutation Database (HGMD: prior to June 1st, 2018), and was therefore a candidate for classification through an automated scoring system. Utilizing variant allele frequency, disease prevalence and penetrance estimates, and inheritance mode, an automated score was calculated to assess if this variant is too frequent to cause the disease. Based on the score and internal cut-off values, a variant classified as benign is not then subjected to further curation. The score for this variant resulted in a classification of benign for this disease.

NM_000617.3(SLC11A2):c.*1261G>A

Gene: SLC11A2 (solute carrier family 11 member 2; minus strand). Cytogenetic location: 12q13.12.
Variant type: single nucleotide variant.
Coding change: c.*1261G>A on transcript NM_000617.3 (MANE Select); 1261 bases downstream of the stop codon, G replaced by A.
Molecular consequence: 3 prime UTR variant. On other transcripts: non-coding transcript variant (4), intron variant (8).
Genome position (GRCh38, 1-based): chr12:50,987,064, C>T on the plus strand (G>A on the coding strand, the complement: SLC11A2 is on the minus strand). VCF-style: chr12-50987064-C-T. GRCh37 (hg19) VCF-style: chr12-51380847-C-T.
Other names: c.*1261G>A (NM_001174125.2, NM_001174128.2, NM_001174129.2 and 6 more transcripts); c.1716+1318G>A (NM_001379446.1); c.1518+1318G>A (NM_001414747.1); c.1629+1318G>A (NM_001174127.2, NM_001174126.2, NM_001379447.2); c.*25+1236G>A (NM_001414744.1, NM_001414746.1); c.1617+1318G>A (NM_001379448.1).
Identifiers: ClinVar variation 309288 (VCV000309288.5), dbSNP rs60725885, ClinGen allele CA6566362.